The following is an entry in ClinVar:

NM_198253.3(TERT):c.1233G>T (p.Thr411=)

Gene: TERT (telomerase reverse transcriptase; minus strand). Cytogenetic location: 5p15.33.
Variant type: single nucleotide variant.
Coding change: c.1233G>T on transcript NM_198253.3 (MANE Select); coding-DNA position 1233, G replaced by T.
Protein change: p.Thr411=; no amino-acid change (threonine 411 retained).
Molecular consequence: synonymous variant. On other transcripts: non-coding transcript variant (2).
Genome position (GRCh38, 1-based): chr5:1,293,653, C>A on the plus strand (G>T on the coding strand, the complement: TERT is on the minus strand). VCF-style: chr5-1293653-C-A. GRCh37 (hg19) VCF-style: chr5-1293768-C-A.
Other names: c.1233G>T, p.Thr411= (NM_001193376.3).
Identifiers: ClinVar variation 1124534 (VCV001124534.13), dbSNP rs1187843426, ClinGen allele CA443240585.

ClinVar aggregate classification (germline): Likely benign. Review status: criteria provided, multiple submitters, no conflicts (2 of 4 stars). 3 submissions from 3 submitters: Likely benign (3). Last evaluated 2026-04-01.

Conditions:
Dyskeratosis congenita. Identifiers: Orphanet 1775, MedGen C0265965, MONDO:0015780.
Dyskeratosis congenita, autosomal dominant 2. Identifiers: MedGen C3151443, MONDO:0013521, OMIM 613989.
Idiopathic Pulmonary Fibrosis. Also called: Idiopathic fibrosing alveolitis, chronic form; idiopathic fibrosing alveolitis. Identifiers: Orphanet 2032, MedGen C1800706, MeSH D054990, MONDO:0800504.

gnomAD v4.1: 2 of 1,561,606 alleles (0.00013%); highest among the groups gnomAD compares: Non-Finnish European, 0.000087%; no homozygotes.

Submissions (3):

CeGaT Center for Human Genetics Tuebingen
Classification: Likely benign. Last evaluated: 2026-04-01. Review status: criteria provided, single submitter. Criteria: CeGaT Center For Human Genetics Tuebingen Variant Classification Criteria Version 2. Collection method: clinical testing. Allele origin: germline. Affected: yes. Observed: 1 variant allele.
Comment: TERT: BP4, BP7

Labcorp Genetics (formerly Invitae), Labcorp
Classification: Likely benign for Dyskeratosis congenita, autosomal dominant 2; Idiopathic Pulmonary Fibrosis. Last evaluated: 2023-11-17. Review status: criteria provided, single submitter. Criteria: Invitae Variant Classification Sherloc (09022015). Collection method: clinical testing. Allele origin: germline.

Ambry Genetics
Classification: Likely benign for Dyskeratosis congenita. Last evaluated: 2022-03-25. Review status: criteria provided, single submitter. Criteria: Ambry Variant Classification Scheme 2023. Collection method: clinical testing. Allele origin: germline.